The following is an entry in ClinVar:

NM_022489.4(INF2):c.2596A>G (p.Thr866Ala)

Gene: INF2 (inverted formin 2; plus strand). Cytogenetic location: 14q32.33.
Variant type: single nucleotide variant.
Coding change: c.2596A>G on transcript NM_022489.4 (MANE Select); coding-DNA position 2596, A replaced by G.
Protein change: p.Thr866Ala; replaces threonine 866 with alanine.
Molecular consequence: missense variant.
Genome position (GRCh38, 1-based): chr14:104,712,539, A>G. VCF-style: chr14-104712539-A-G. GRCh37 (hg19) VCF-style: chr14-105178876-A-G.
Other names: c.2596A>G, p.Thr866Ala (NM_001031714.4); short protein forms T866A.
Identifiers: ClinVar variation 653819 (VCV000653819.8), dbSNP rs753660816, ClinGen allele CA7372987.
Genomic context (GRCh38, chr14:104,712,539, plus strand): 5'-AAGCTTCTGGAGACCGAGCGGAAGGTGTCTGCCTCCGTGGCCGAGGTCCAGGAGCAGTAC[A>G]CCGAGCGCCTCCAGGCAAGTGGGCACCTGGGCCTGGGGCTGGCGGGAGAGGCTGCCCTGA-3'
Protein context (NP_071934.3, residues 856-876): ASVAEVQEQY[Thr866Ala]ERLQASISAF

ClinVar aggregate classification (germline): Uncertain significance (1 of 4 stars; one submission).

Conditions:
Focal segmental glomerulosclerosis 5 (FSGS5). Identifiers: Orphanet 656, MedGen C2750475, MONDO:0013191, OMIM 613237.
Charcot-Marie-Tooth disease dominant intermediate E. Also called: CHARCOT-MARIE-TOOTH NEUROPATHY WITH FOCAL SEGMENTAL GLOMERULONEPHRITIS. Identifiers: Orphanet 93114, MedGen C4302667, MONDO:0013758, OMIM 614455.

Allele frequency attached by ClinVar (database versions not stated): gnomAD exomes below 0.00001; TOPMed below 0.00001; ExAC 0.00001; gnomAD 0.00001.
gnomAD v4.1: 2 of 1,612,496 alleles (0.00012%); highest among the groups gnomAD compares: Non-Finnish European, 0.00017%; no homozygotes.

Submission:

Labcorp Genetics (formerly Invitae), Labcorp
Classification: Uncertain significance for Charcot-Marie-Tooth disease dominant intermediate E; Focal segmental glomerulosclerosis 5. Last evaluated: 2024-10-30. Review status: criteria provided, single submitter. Criteria: Invitae Variant Classification Sherloc (09022015). Collection method: clinical testing. Allele origin: germline.
Comment: This sequence change replaces threonine, which is neutral and polar, with alanine, which is neutral and non-polar, at codon 866 of the INF2 protein (p.Thr866Ala). This variant is present in population databases (rs753660816, gnomAD 0.0009%). This missense change has been observed in individual(s) with clinical features of INF2-related conditions (internal data). ClinVar contains an entry for this variant (Variation ID: 653819). Invitae Evidence Modeling of protein sequence and biophysical properties (such as structural, functional, and spatial information, amino acid conservation, physicochemical variation, residue mobility, and thermodynamic stability) indicates that this missense variant is not expected to disrupt INF2 protein function with a negative predictive value of 95%. In summary, the available evidence is currently insufficient to determine the role of this variant in disease. Therefore, it has been classified as a Variant of Uncertain Significance.